The following is an entry in ClinVar:

ClinVar aggregate classification (germline): Pathogenic (1 of 4 stars; one submission).

Submission:

Athena Diagnostics
Classification: Pathogenic. Last evaluated: 2024-09-26. Review status: criteria provided, single submitter. Criteria: Athena Diagnostics Criteria. Collection method: clinical testing. Allele origin: unknown.
Comment: This variant has not been reported in large, multi-ethnic general populations. This variant has been identified in at least one individual tested at Athena Diagnostics with clinical features associated with this gene. Computational tools disagree on the variant's effect on normal protein function. The variant is located in a region that is considered important for protein function and/or structure.

Literature cited by the submitters: PubMed 35231114.

NM_001165963.4(SCN1A):c.1143G>C (p.Gln381His)

Gene: SCN1A (sodium voltage-gated channel alpha subunit 1; minus strand). Cytogenetic location: 2q24.3.
Variant type: single nucleotide variant.
Coding change: c.1143G>C on transcript NM_001165963.4 (MANE Select); coding-DNA position 1143, G replaced by C.
Protein change: p.Gln381His; replaces glutamine 381 with histidine.
Molecular consequence: missense variant. On other transcripts: 5 prime UTR variant (1), non-coding transcript variant (1).
Genome position (GRCh38, 1-based): chr2:166,047,654, C>G on the plus strand (G>C on the coding strand, the complement: SCN1A is on the minus strand). VCF-style: chr2-166047654-C-G. GRCh37 (hg19) VCF-style: chr2-166904164-C-G.
Other names: c.1143G>C, p.Gln381His (NM_001165964.3, NM_001202435.3, NM_001353948.2 and 10 more transcripts); c.-1283G>C (NM_001353961.2); short protein forms Q381H.
Identifiers: ClinVar variation 3571535 (VCV003571535.1).